The following is an entry in ClinVar:

ClinVar aggregate classification (germline): Pathogenic (1 of 4 stars; one submission).

Conditions:
Congenital myasthenic syndrome 11. Also called: Myasthenic syndrome, congenital, 11, associated with acetylcholine receptor deficiency; MYASTHENIC SYNDROME, CONGENITAL, Ie. Identifiers: Orphanet 590, MedGen C4225367, MONDO:0014588, OMIM 616326.
Fetal akinesia deformation sequence 1 (FADS1). Also called: Fetal akinesia sequence; Pena-Shokeir syndrome type I. Identifiers: Orphanet 994, MedGen C1276035, MONDO:0100101, OMIM 208150, HP:0001989.

Submission:

Labcorp Genetics (formerly Invitae), Labcorp
Classification: Pathogenic for Congenital myasthenic syndrome 11; Fetal akinesia deformation sequence 1. Last evaluated: 2022-05-22. Review status: criteria provided, single submitter. Criteria: Invitae Variant Classification Sherloc (09022015). Collection method: clinical testing. Allele origin: germline.
Comment: For these reasons, this variant has been classified as Pathogenic. This variant has not been reported in the literature in individuals affected with RAPSN-related conditions. This variant is not present in population databases (gnomAD no frequency). This sequence change creates a premature translational stop signal (p.Gln8*) in the RAPSN gene. It is expected to result in an absent or disrupted protein product. Loss-of-function variants in RAPSN are known to be pathogenic (PMID: 17686188).

Literature cited by the submitters: PubMed 17686188.

NM_005055.5(RAPSN):c.22C>T (p.Gln8Ter)

Gene: RAPSN (receptor associated protein of the synapse; minus strand). Cytogenetic location: 11p11.2.
Variant type: single nucleotide variant.
Coding change: c.22C>T on transcript NM_005055.5 (MANE Select); coding-DNA position 22, C replaced by T.
Protein change: p.Gln8Ter; replaces glutamine 8 with a stop codon.
Molecular consequence: nonsense.
Genome position (GRCh38, 1-based): chr11:47,448,943, G>A on the plus strand (C>T on the coding strand, the complement: RAPSN is on the minus strand). VCF-style: chr11-47448943-G-A. GRCh37 (hg19) VCF-style: chr11-47470495-G-A.
Other names: c.22C>T, p.Gln8Ter (NM_032645.5); short protein forms Q8*.
Identifiers: ClinVar variation 1997927 (VCV001997927.4), dbSNP rs11556408, ClinGen allele CA380337332.
Genomic context (GRCh38, chr11:47,448,943, plus strand): 5'-CCTGCAATGCCTTCTCTGTCTGGTTGGACTGGTACAGCTGGAGCCCCTTCTCGATCTGCT[G>A]CTTGGTCTGGTCCTGCCCCATCCTCCCCAAGCCCTGTGTCCCACGTGGGGTGATCCCTGG-3'